The following is an entry in ClinVar:

ClinVar aggregate classification (germline): Uncertain significance (1 of 4 stars; one submission).

Submission:

Labcorp Genetics (formerly Invitae), Labcorp
Classification: Uncertain significance. Last evaluated: 2025-02-10. Review status: criteria provided, single submitter. Criteria: Invitae Variant Classification Sherloc (09022015). Collection method: clinical testing. Allele origin: germline.
Comment: This sequence change creates a premature translational stop signal (p.Asp430Glufs*24) in the CRAT gene. It is expected to result in an absent or disrupted protein product. However, the current clinical and genetic evidence is not sufficient to establish whether loss-of-function variants in CRAT cause disease. This variant is not present in population databases (gnomAD no frequency). This variant has not been reported in the literature in individuals affected with CRAT-related conditions. In summary, the available evidence is currently insufficient to determine the role of this variant in disease. Therefore, it has been classified as a Variant of Uncertain Significance.

NM_000755.5(CRAT):c.1289dup (p.Asp430fs)

Gene: CRAT (carnitine O-acetyltransferase; minus strand). Cytogenetic location: 9q34.11.
Variant type: Duplication.
Coding change: c.1289dup on transcript NM_000755.5 (MANE Select); coding-DNA position 1289, one base duplicated (A; older notation c.1289dupA).
Protein change: p.Asp430fs; shifts the reading frame from aspartic acid 430.
Molecular consequence: frameshift variant.
Genome position (GRCh38, 1-based): chr9:129,098,288, T duplicated on the plus strand (A on the coding strand, the reverse complement: CRAT is on the minus strand). VCF-style (leftmost placement, unchanged base first): chr9-129098287-A-AT. GRCh37 (hg19) VCF-style: chr9-131860566-A-AT.
Other names: c.1226dup, p.Asp409fs (NM_001257363.3, NM_001346548.2, NM_004003.4); c.1292dup, p.Asp431fs (NM_001346546.2); c.1289dup, p.Asp430fs (NM_001346547.2); c.1169dup, p.Asp390fs (NM_001346549.2); short protein forms D431fs, D390fs, D409fs, D430fs.
Identifiers: ClinVar variation 4712280 (VCV004712280.1).